The following is an entry in ClinVar:

ClinVar aggregate classification (germline): Uncertain significance (1 of 4 stars; one submission).

Conditions:
Gorlin syndrome. Also called: Nevoid Basal Cell Carcinoma Syndrome; Basal cell nevus syndrome. Identifiers: Orphanet 377, MedGen C0004779, MONDO:0007187.

Allele frequency attached by ClinVar (database versions not stated): gnomAD exomes below 0.00001; TOPMed 0.00002.

Submission:

Labcorp Genetics (formerly Invitae), Labcorp
Classification: Uncertain significance for Gorlin syndrome. Last evaluated: 2020-10-26. Review status: criteria provided, single submitter. Criteria: Invitae Variant Classification Sherloc (09022015). Collection method: clinical testing. Allele origin: germline.
Comment: In summary, the available evidence is currently insufficient to determine the role of this variant in disease. Therefore, it has been classified as a Variant of Uncertain Significance. Algorithms developed to predict the effect of missense changes on protein structure and function (SIFT, PolyPhen-2, Align-GVGD) all suggest that this variant is likely to be disruptive, but these predictions have not been confirmed by published functional studies and their clinical significance is uncertain. This variant has not been reported in the literature in individuals with PTCH2-related conditions. This variant is not present in population databases (ExAC no frequency). This sequence change replaces proline with threonine at codon 520 of the PTCH2 protein (p.Pro520Thr). The proline residue is highly conserved and there is a small physicochemical difference between proline and threonine.

NM_003738.5(PTCH2):c.1558C>A (p.Pro520Thr)

Gene: PTCH2 (patched 2; minus strand). Cytogenetic location: 1p34.1.
Variant type: single nucleotide variant.
Coding change: c.1558C>A on transcript NM_003738.5 (MANE Select); coding-DNA position 1558, C replaced by A.
Protein change: p.Pro520Thr; replaces proline 520 with threonine.
Molecular consequence: missense variant.
Genome position (GRCh38, 1-based): chr1:44,828,538, G>T on the plus strand (C>A on the coding strand, the complement: PTCH2 is on the minus strand). VCF-style: chr1-44828538-G-T. GRCh37 (hg19) VCF-style: chr1-45294210-G-T.
Other names: c.1558C>A, p.Pro520Thr (NM_001166292.2); short protein forms P520T.
Identifiers: ClinVar variation 1003119 (VCV001003119.9), dbSNP rs1382444662, ClinGen allele CA340100763.